The following is an entry in ClinVar:

ClinVar aggregate classification (germline): Likely benign (0 of 4 stars; one submission).

Conditions:
HNRNPA2B1-related disorder. Also called: HNRNPA2B1-related condition.

Submission:

PreventionGenetics, part of Exact Sciences
Classification: Likely benign for HNRNPA2B1-related condition. Last evaluated: 2024-01-04. Review status: no assertion criteria provided. Collection method: clinical testing. Allele origin: germline.
Comment: This variant is classified as likely benign based on ACMG/AMP sequence variant interpretation guidelines (Richards et al. 2015 PMID: 25741868, with internal and published modifications).

NM_002137.4(HNRNPA2B1):c.*3TTC[1]

Gene: HNRNPA2B1 (heterogeneous nuclear ribonucleoprotein A2/B1; minus strand). Cytogenetic location: 7p15.2.
Variant type: Microsatellite.
Coding change: c.*3TTC[1] on transcript NM_002137.4 (MANE Select); one copy of the 3-base unit TTC starting at c.*3; the reference has two copies in a row; one copy, 3 bases deleted.
Molecular consequence: 3 prime UTR variant.
Genome position (GRCh38, 1-based): chr7:26,192,508-26,192,510, GAA deleted on the plus strand (TTC on the coding strand, the reverse complement: HNRNPA2B1 is on the minus strand); deleting any 3 consecutive bases within chr7:26,192,508-26,192,514 gives the same sequence; the position shown is the placement nearest the transcript's 3' end. VCF-style (leftmost placement, unchanged base first): chr7-26192507-GGAA-G. GRCh37 (hg19) VCF-style: chr7-26232127-GGAA-G.
Other names: c.*2_*4CTT[1] (NM_031243.4).
Identifiers: ClinVar variation 3032723 (VCV003032723.2), dbSNP rs756219376, ClinGen allele CA4194362.